The following is an entry in ClinVar:

NM_017654.4(SAMD9):c.2935T>C (p.Cys979Arg)

Gene: SAMD9 (sterile alpha motif domain containing 9; minus strand). Cytogenetic location: 7q21.2.
Variant type: single nucleotide variant.
Coding change: c.2935T>C on transcript NM_017654.4 (MANE Select); coding-DNA position 2935, T replaced by C.
Protein change: p.Cys979Arg; replaces cysteine 979 with arginine.
Molecular consequence: missense variant.
Genome position (GRCh38, 1-based): chr7:93,103,163, A>G on the plus strand (T>C on the coding strand, the complement: SAMD9 is on the minus strand). VCF-style: chr7-93103163-A-G. GRCh37 (hg19) VCF-style: chr7-92732476-A-G.
Other names: c.2935T>C, p.Cys979Arg (NM_001193307.2); c.2935T>C (NM_017654.3); short protein forms C979R.
Identifiers: ClinVar variation 1519378 (VCV001519378.6), dbSNP rs370900227, ClinGen allele CA4342769.

ClinVar aggregate classification (germline): Uncertain significance. Review status: criteria provided, multiple submitters, no conflicts (2 of 4 stars). 4 submissions from 4 submitters: Uncertain significance (3). 1 of the submissions does not count toward it. Last evaluated 2025-04-17.

Conditions:
SAMD9-related disorder. Also called: SAMD9-related condition.
Inborn genetic diseases. Identifiers: MedGen C0950123, MeSH D030342.

Allele frequency attached by ClinVar (database versions not stated): TOPMed 0.00002; ExAC 0.00002; gnomAD 0.00001; gnomAD exomes 0.00001; ESP Exome Variant Server 0.00008.

Submissions (4):

Ambry Genetics
Classification: Uncertain significance for Inborn genetic diseases. Last evaluated: 2025-04-17. Review status: criteria provided, single submitter. Criteria: Ambry Variant Classification Scheme 2023. Collection method: clinical testing. Allele origin: germline.

GeneDx
Classification: Uncertain significance. Last evaluated: 2024-05-31. Review status: criteria provided, single submitter. Criteria: GeneDx Variant Classification Process June 2021. Collection method: clinical testing. Allele origin: germline. Affected: yes.
Comment: Not observed at significant frequency in large population cohorts (gnomAD); In silico analysis indicates that this missense variant does not alter protein structure/function; Has not been previously published as pathogenic or benign to our knowledge; This variant is associated with the following publications: (PMID: 28545555)

Labcorp Genetics (formerly Invitae), Labcorp
Classification: Uncertain significance. Last evaluated: 2021-08-28. Review status: criteria provided, single submitter. Criteria: Invitae Variant Classification Sherloc (09022015). Collection method: clinical testing. Allele origin: germline.
Comment: This sequence change replaces cysteine with arginine at codon 979 of the SAMD9 protein (p.Cys979Arg). The cysteine residue is weakly conserved and there is a large physicochemical difference between cysteine and arginine. This variant is present in population databases (rs370900227, ExAC 0.003%). This variant has not been reported in the literature in individuals affected with SAMD9-related conditions. Algorithms developed to predict the effect of missense changes on protein structure and function (SIFT, PolyPhen-2, Align-GVGD) all suggest that this variant is likely to be tolerated. In summary, the available evidence is currently insufficient to determine the role of this variant in disease. Therefore, it has been classified as a Variant of Uncertain Significance.

PreventionGenetics, part of Exact Sciences
Classification: Uncertain significance for SAMD9-related condition. Last evaluated: 2024-06-05. Review status: no assertion criteria provided. Collection method: clinical testing. Allele origin: germline. Not counted in ClinVar's aggregate classification.
Comment: The SAMD9 c.2935T>C variant is predicted to result in the amino acid substitution p.Cys979Arg. To our knowledge, this variant has not been reported in the literature. This variant is reported in 0.0040% of alleles in individuals of African descent in gnomAD, and has been classified as uncertain in the ClinVar database. At this time, the clinical significance of this variant is uncertain due to the absence of conclusive functional and genetic evidence.